The following is an entry in ClinVar:

NM_004329.3(BMPR1A):c.262del (p.Glu88fs)

Gene: BMPR1A (bone morphogenetic protein receptor type 1A; plus strand). Cytogenetic location: 10q23.2.
Variant type: Deletion.
Coding change: c.262del on transcript NM_004329.3 (MANE Select); coding-DNA position 262, one base deleted (G; older notation c.262delG).
Protein change: p.Glu88fs; shifts the reading frame from glutamic acid 88.
Molecular consequence: frameshift variant. On other transcripts: non-coding transcript variant (3).
Genome position (GRCh38, 1-based): chr10:86,892,158, G deleted. VCF-style (leftmost placement, unchanged base first): chr10-86892157-AG-A. GRCh37 (hg19) VCF-style: chr10-88651914-AG-A.
Other names: c.262del, p.Glu88fs (NM_001406578.1, NM_001406579.1, NM_001406580.1 and 23 more transcripts); c.178del, p.Glu60fs (NM_001406584.1, NM_001406585.1, NM_001406586.1 and 2 more transcripts); short protein forms E60fs, E88fs.
Identifiers: ClinVar variation 2584193 (VCV002584193.2), dbSNP rs2539445569, ClinGen allele CA2582342706.

ClinVar aggregate classification (germline): Pathogenic (1 of 4 stars; one submission).

Conditions:
Juvenile polyposis syndrome (JPS). Identifiers: Orphanet 2929, MedGen C0345893, MONDO:0017380, OMIM 174900.

Submission:

Myriad Genetics, Inc.
Classification: Pathogenic for Juvenile polyposis syndrome. Last evaluated: 2023-05-26. Review status: criteria provided, single submitter. Criteria: Myriad Autosomal Dominant, Autosomal Recessive and X-Linked Classification Criteria (2023). Collection method: clinical testing. Allele origin: unknown.
Comment: This variant is considered pathogenic. This variant creates a frameshift predicted to result in premature protein truncation.